The following is an entry in ClinVar:

NM_002633.3(PGM1):c.1464+1G>A

Gene: PGM1 (phosphoglucomutase 1; plus strand). Cytogenetic location: 1p31.3.
Variant type: single nucleotide variant.
Coding change: c.1464+1G>A on transcript NM_002633.3 (MANE Select); the canonical splice donor site of the intron after coding-DNA position 1464, G replaced by A.
Molecular consequence: splice donor variant.
Genome position (GRCh38, 1-based): chr1:63,651,853, G>A. VCF-style: chr1-63651853-G-A. GRCh37 (hg19) VCF-style: chr1-64117524-G-A.
Other names: c.873+1G>A (NM_001172819.2); c.1518+1G>A (NM_001172818.1).
Identifiers: ClinVar variation 3769186 (VCV003769186.2).

ClinVar aggregate classification (germline): Likely pathogenic (1 of 4 stars; one submission).

Conditions:
PGM1-congenital disorder of glycosylation. Also called: CDG It; Congenital disorder of glycosylation type 1t; PHOSPHOGLUCOMUTASE 1 DEFICIENCY; PGM1 DEFICIENCY; GLYCOGEN STORAGE DISEASE XIV; GSD XIV. Identifiers: Orphanet 319646, MedGen C2752015, MONDO:0013968, OMIM 614921.

gnomAD v4.1: 2 of 1,613,340 alleles (0.00012%); highest among the groups gnomAD compares: Non-Finnish European, 0.00017%; no homozygotes.

Submission:

Women's Health and Genetics/Laboratory Corporation of America, LabCorp
Classification: Likely pathogenic for PGM1-congenital disorder of glycosylation. Last evaluated: 2025-01-09. Review status: criteria provided, single submitter. Criteria: LabCorp Variant Classification Summary - May 2015. Collection method: clinical testing. Allele origin: germline.
Comment: Variant summary: PGM1 c.1464+1G>A is located in a canonical splice-site and is predicted to affect mRNA splicing resulting in a significantly altered protein due to either exon skipping, shortening, or inclusion of intronic material. Variants that disrupt the consensus splice site are a relatively common cause of aberrant splicing and loss of PGM1 function. Several computational tools predict a significant impact on normal splicing: Four predict the variant abolishes a 5' splicing donor site. However, these predictions have yet to be confirmed by functional studies. The variant allele was found at a frequency of 4e-06 in 251324 control chromosomes (gnomAD). To our knowledge, no occurrence of c.1464+1G>A in individuals affected with PGM1-Congenital Disorder Of Glycosylation and no experimental evidence demonstrating its impact on protein function have been reported. No submitters have cited clinical-significance assessments for this variant to ClinVar. Based on the evidence outlined above, the variant was classified as likely pathogenic.